The following is an entry in ClinVar:

NM_001943.5(DSG2):c.828_828+2del

Gene: DSG2 (desmoglein 2; plus strand). Cytogenetic location: 18q12.1.
Variant type: Deletion.
Coding change: c.828_828+2del on transcript NM_001943.5 (MANE Select); coding-DNA position 828 through the canonical splice donor site of the intron after coding-DNA position 828, 3 bases deleted (GGT; older notation c.828_828+2delGGT).
Molecular consequence: splice donor variant.
Genome position (GRCh38, 1-based): chr18:31,524,585-31,524,587, GGT deleted; deleting any 3 consecutive bases within chr18:31,524,583-31,524,587 gives the same sequence; the c. name uses the placement nearest the transcript's 3' end. VCF-style (leftmost placement, unchanged base first): chr18-31524582-AGTG-A. GRCh37 (hg19) VCF-style: chr18-29104545-AGTG-A.
Identifiers: ClinVar variation 188452 (VCV000188452.13), dbSNP rs786204292, ClinGen allele CA050140.
Genomic context (GRCh38, chr18:31,524,582, plus strand): 5'-AGCTCAAGTTCAGATTCGTATTTTGGATGTCAATGACAATATACCTGTAGTAGAAAATAA[AGTG>A]GTAACTATTATTCTTCTAATAACTGTACCTATTTATTTATATTTCAGTCCTAATTAAAAA-3'

ClinVar aggregate classification (germline): Uncertain significance. Review status: criteria provided, multiple submitters, no conflicts (2 of 4 stars). 6 submissions from 6 submitters: Uncertain significance (6). Last evaluated 2024-02-05.

Conditions:
Cardiovascular phenotype. Identifiers: MedGen CN230736.
Arrhythmogenic right ventricular cardiomyopathy (ARVD). Also called: Arrhythmogenic cardiomyopathy; Arrhythmogenic Right Ventricular Cardiomyopathy (ARVC); Cardiomyopathy, ARVC; Arrhythmogenic right ventricular dysplasia. Identifiers: Orphanet 247, MedGen C0349788, MeSH D019571, MONDO:0016587. Disease mechanism: loss of function. Inheritance: Various modes of inheritance.
Cardiomyopathy (CMYO). Also called: Cardiomyopathies. Identifiers: Orphanet 167848, MedGen C0878544, MONDO:0004994, HP:0001638. Inheritance: Various modes of inheritance.
Arrhythmogenic right ventricular dysplasia 10. Also called: Arrhythmogenic right ventricular dysplasia/cardiomyopathy, type 10; Arrhythmogenic Right Ventricular Dysplasia/Cardiomyopathy10; ARRHYTHMOGENIC RIGHT VENTRICULAR DYSPLASIA, FAMILIAL, 10. Identifiers: MedGen C1857777, MONDO:0012434, OMIM 610193.

Submissions (6):

Ambry Genetics
Classification: Uncertain significance for Cardiovascular phenotype. Last evaluated: 2024-02-05. Review status: criteria provided, single submitter. Criteria: Ambry Variant Classification Scheme 2023. Collection method: clinical testing. Allele origin: germline.
Comment: The c.828_828+2delGGT variant results from a deletion of 3 nucleotides between positions c.828 and c.828+2 and involves the canonical splice donor site after coding exon 7 of the DSG2 gene. Alterations that disrupt the canonical splice site are expected to result in aberrant splicing. In silico splice site analysis predicts that this alteration will weaken the native splice donor site and will result in the creation or strengthening of a novel splice donor site. The resulting transcript is predicted to be in-frame and is not expected to trigger nonsense-mediated mRNA decay; however, direct evidence is unavailable. The exact functional effect of the altered amino acid sequence is unknown. These nucleotide positions are well conserved in available vertebrate species. Based on the available evidence, the clinical significance of this alteration remains unclear.

All of Us Research Program, National Institutes of Health
Classification: Uncertain significance for Arrhythmogenic right ventricular cardiomyopathy. Last evaluated: 2023-12-18. Review status: criteria provided, single submitter. Criteria: ACMG Guidelines, 2015. Collection method: clinical testing. Allele origin: germline. Inheritance: Autosomal dominant inheritance. Observed: 2 variant alleles, 2 heterozygotes.
Comment: This variant alters the intron 7 canonical splice donor site of the DSG2 gene. Splice prediction tools suggest that this variant may create a new splice donor site resulting in in-frame deletion of valine at codon 276 in the DSG2 protein. To our knowledge, functional studies have not been reported for this variant. This variant has not been reported in individuals affected with cardiovascular disorders in the literature. This variant has been identified in 4/279884 chromosomes in the general population by the Genome Aggregation Database (gnomAD). The available evidence is insufficient to determine the role of this variant in disease conclusively. Therefore, this variant is classified as a Variant of Uncertain Significance.

This study involves interpretation of variants in research participants for the purpose of population health screening. Participant phenotype was not available at the time of variant classification. Additional details can be found in publication PMID: 35346344, PMCID: PMC8962531

Color Diagnostics, LLC DBA Color Health
Classification: Uncertain significance for Cardiomyopathy. Last evaluated: 2023-11-22. Review status: criteria provided, single submitter. Criteria: ACMG Guidelines, 2015. Collection method: clinical testing. Allele origin: germline.
Comment: This variant alters the intron 7 canonical splice donor site of the DSG2 gene. Splice prediction tools suggest that this variant may create a new splice donor site resulting in in-frame deletion of valine at codon 276 in the DSG2 protein. To our knowledge, functional studies have not been reported for this variant. This variant has not been reported in individuals affected with cardiovascular disorders in the literature. This variant has been identified in 4/279884 chromosomes in the general population by the Genome Aggregation Database (gnomAD). The available evidence is insufficient to determine the role of this variant in disease conclusively. Therefore, this variant is classified as a Variant of Uncertain Significance.

Labcorp Genetics (formerly Invitae), Labcorp
Classification: Uncertain significance for Arrhythmogenic right ventricular dysplasia 10. Last evaluated: 2022-06-13. Review status: criteria provided, single submitter. Criteria: Invitae Variant Classification Sherloc (09022015). Collection method: clinical testing. Allele origin: germline.
Comment: This variant is also known as c.828_828+2del. This variant has not been reported in the literature in individuals affected with DSG2-related conditions. This variant is present in population databases (rs756407552, gnomAD 0.003%). This variant, c.826_828del, results in the deletion of 1 amino acid(s) of the DSG2 protein (p.Val276del), but otherwise preserves the integrity of the reading frame. This variant also falls at the last nucleotide of exon 7, which is part of the consensus splice site for this exon. ClinVar contains an entry for this variant (Variation ID: 188452). In summary, the available evidence is currently insufficient to determine the role of this variant in disease. Therefore, it has been classified as a Variant of Uncertain Significance. Variants that disrupt the consensus splice site are a relatively common cause of aberrant splicing (PMID: 17576681, 9536098). Algorithms developed to predict the effect of sequence changes on RNA splicing suggest that this variant may disrupt the consensus splice site. Experimental studies and prediction algorithms are not available or were not evaluated, and the functional significance of this variant is currently unknown.

GeneDx
Classification: Uncertain significance. Last evaluated: 2019-05-20. Review status: criteria provided, single submitter. Criteria: GeneDx Variant Classification Process June 2021. Collection method: clinical testing. Allele origin: germline. Affected: yes.
Comment: Has not been previously published as pathogenic or benign to our knowledge; Not observed at a significant frequency in large population cohorts (Lek et al., 2016); Canonical splice site variant expected to result in aberrant splicing; In the absence of RNA/functional studies, the actual effect of this sequence change is unknown

CHEO Genetics Diagnostic Laboratory, Children's Hospital of Eastern Ontario
Classification: Uncertain significance for Cardiomyopathy. Last evaluated: 2016-06-15. Review status: criteria provided, single submitter. Criteria: ACMG Guidelines, 2015. Collection method: clinical testing. Allele origin: germline. Study: Canadian Open Genetics Repository.

Literature cited by the submitters: PubMed 17576681 (cited by Labcorp Genetics (formerly Invitae), Labcorp); PubMed 9536098 (cited by Labcorp Genetics (formerly Invitae), Labcorp).